The following is an entry in ClinVar:

NM_001308093.3(GATA4):c.931A>T (p.Met311Leu)

Gene: GATA4 (GATA binding protein 4). Cytogenetic location: 8p23.1.
Variant type: single nucleotide variant.
Coding change: c.931A>T on transcript NM_001308093.3 (MANE Select); coding-DNA position 931, A replaced by T.
Protein change: p.Met311Leu; replaces methionine 311 with leucine.
Molecular consequence: missense variant.
Genome position (GRCh38, 1-based): chr8:11,755,064, A>T. VCF-style: chr8-11755064-A-T. GRCh37 (hg19) VCF-style: chr8-11612573-A-T.
Other names: c.928A>T (NM_002052.4); c.310A>T, p.Met104Leu (NM_001308094.2, NM_001374273.1); c.184A>T, p.Met62Leu (NM_001374274.1); c.928A>T, p.Met310Leu (NM_002052.5); short protein forms M104L, M310L, M62L, M311L.
Identifiers: ClinVar variation 1029406 (VCV001029406.10), dbSNP rs387906772, ClinGen allele CA370314375.

ClinVar aggregate classification (germline): Uncertain significance. Review status: criteria provided, multiple submitters, no conflicts (2 of 4 stars). 4 submissions from 4 submitters: Uncertain significance (3). 1 of the submissions does not count toward it. Last evaluated 2024-05-06.

Conditions:
GATA4-related disorder. Also called: GATA4-related condition. Identifiers: MedGen CN860321.
Atrioventricular septal defect 4 (AVSD4). Identifiers: MedGen C3280781, MONDO:0013747, OMIM 614430.
Ventricular septal defect 1 (VSD1). Identifiers: MedGen C3280777, MONDO:0013746, OMIM 614429.

Allele frequency attached by ClinVar (database versions not stated): TOPMed below 0.00001; gnomAD 0.00001; gnomAD exomes 0.00001.
gnomAD v4.1: 9 of 1,613,922 alleles (0.00056%); highest among the groups gnomAD compares: Non-Finnish European, 0.00076%; no homozygotes.

Submissions (4):

Labcorp Genetics (formerly Invitae), Labcorp
Classification: Uncertain significance for Atrioventricular septal defect 4. Last evaluated: 2024-05-06. Review status: criteria provided, single submitter. Criteria: Invitae Variant Classification Sherloc (09022015). Collection method: clinical testing. Allele origin: germline.
Comment: This sequence change replaces methionine, which is neutral and non-polar, with leucine, which is neutral and non-polar, at codon 310 of the GATA4 protein (p.Met310Leu). This variant is not present in population databases (gnomAD no frequency). This variant has not been reported in the literature in individuals affected with GATA4-related conditions. ClinVar contains an entry for this variant (Variation ID: 1029406). Advanced modeling of protein sequence and biophysical properties (such as structural, functional, and spatial information, amino acid conservation, physicochemical variation, residue mobility, and thermodynamic stability) performed at Invitae indicates that this missense variant is expected to disrupt GATA4 protein function with a positive predictive value of 80%. This variant disrupts the p.Met310 amino acid residue in GATA4. Other variant(s) that disrupt this residue have been determined to be pathogenic (PMID: 20347099). This suggests that this residue is clinically significant, and that variants that disrupt this residue are likely to be disease-causing. In summary, the available evidence is currently insufficient to determine the role of this variant in disease. Therefore, it has been classified as a Variant of Uncertain Significance.

Baylor Genetics
Classification: Uncertain significance for Ventricular septal defect 1. Last evaluated: 2020-03-05. Review status: criteria provided, single submitter. Criteria: ACMG Guidelines, 2015. Collection method: clinical testing. Allele origin: unknown. Affected: yes.
Comment: This variant was determined to be of uncertain significance according to ACMG Guidelines, 2015 [PMID:25741868].

GeneDx
Classification: Uncertain significance. Last evaluated: 2019-11-20. Review status: criteria provided, single submitter. Criteria: GeneDx Variant Classification Process June 2021. Collection method: clinical testing. Allele origin: germline. Affected: yes.
Comment: Has not been previously published as pathogenic or benign to our knowledge; Not observed in large population cohorts (Lek et al., 2016); In silico analysis, which includes protein predictors and evolutionary conservation, supports a deleterious effect; This variant is associated with the following publications: (PMID: 33046911)

PreventionGenetics, part of Exact Sciences
Classification: Uncertain significance for GATA4-related condition. Last evaluated: 2023-11-13. Review status: no assertion criteria provided. Collection method: clinical testing. Allele origin: germline. Not counted in ClinVar's aggregate classification.
Comment: The GATA4 c.928A>T variant is predicted to result in the amino acid substitution p.Met310Leu. This variant has not been reported in the literature in individuals with GATA4-related disorders. This variant has not been reported in a large population database, indicating this variant is rare. An alternative variant affecting the same amino acid (p.Me310Thr) has been reported in a family with atrial septal defect (Bu et al. 2021. PubMed ID: 33413087). At this time, the clinical significance of this variant is uncertain due to the absence of conclusive functional and genetic evidence.

Literature cited by the submitters: PubMed 20347099 (cited by Labcorp Genetics (formerly Invitae), Labcorp).